The following is an entry in ClinVar:

ClinVar aggregate classification (germline): Conflicting classifications of pathogenicity. Review status: criteria provided, conflicting classifications (1 of 4 stars). 2 submissions from 2 submitters: Uncertain significance (1); Likely benign (1). Last evaluated 2025-09-10.

Conditions:
LRRC56-related disorder. Also called: LRRC56-related condition.

Allele frequency attached by ClinVar (database versions not stated): gnomAD 0.00003; TOPMed 0.00003; ExAC 0.00001; gnomAD exomes 0.00006.
gnomAD v4.1: 93 of 1,610,084 alleles (0.0058%); highest among the groups gnomAD compares: Non-Finnish European, 0.0071%; no homozygotes.

Submissions (2):

Labcorp Genetics (formerly Invitae), Labcorp
Classification: Likely benign. Last evaluated: 2025-09-10. Review status: criteria provided, single submitter. Criteria: Invitae Variant Classification Sherloc (09022015). Collection method: clinical testing. Allele origin: germline.

PreventionGenetics, part of Exact Sciences
Classification: Uncertain significance for LRRC56-related condition. Last evaluated: 2022-10-05. Review status: criteria provided, single submitter. Criteria: ACMG Guidelines, 2015. Collection method: clinical testing. Allele origin: germline.
Comment: The LRRC56 c.591G>A variant is not predicted to result in an amino acid change (p.=). This variant is predicted to strengthen a cryptic splice donor site (Alamut Visual Plus v1.6.1). To our knowledge, this variant has not been reported in the literature. This variant is reported in 0.0041% of alleles in individuals of African descent in gnomAD. At this time, the clinical significance of this variant is uncertain due to the absence of conclusive functional and genetic evidence.

NM_198075.4(LRRC56):c.591G>A (p.Val197=)

Gene: LRRC56 (leucine rich repeat containing 56; plus strand). Cytogenetic location: 11p15.5.
Variant type: single nucleotide variant.
Coding change: c.591G>A on transcript NM_198075.4 (MANE Select); coding-DNA position 591, G replaced by A.
Protein change: p.Val197=; no amino-acid change (valine 197 retained).
Molecular consequence: synonymous variant.
Genome position (GRCh38, 1-based): chr11:550,239, G>A. VCF-style: chr11-550239-G-A. GRCh37 (hg19) VCF-style: chr11-550239-G-A.
Identifiers: ClinVar variation 2629145 (VCV002629145.4), dbSNP rs752922900, ClinGen allele CA5779753.